The following is an entry in ClinVar:

NM_052963.3(TOP1MT):c.1190G>A (p.Arg397Gln)

Gene: TOP1MT (DNA topoisomerase I mitochondrial; minus strand). Cytogenetic location: 8q24.3.
Variant type: single nucleotide variant.
Coding change: c.1190G>A on transcript NM_052963.3 (MANE Select); coding-DNA position 1190, G replaced by A.
Protein change: p.Arg397Gln; replaces arginine 397 with glutamine.
Molecular consequence: missense variant.
Genome position (GRCh38, 1-based): chr8:143,318,043, C>T on the plus strand (G>A on the coding strand, the complement: TOP1MT is on the minus strand). VCF-style: chr8-143318043-C-T. GRCh37 (hg19) VCF-style: chr8-144400213-C-T.
Other names: c.896G>A, p.Arg299Gln (NM_001258446.1, NM_001258447.1); short protein forms R299Q, R397Q.
Identifiers: ClinVar variation 3671836 (VCV003671836.2).

ClinVar aggregate classification (germline): Uncertain significance (1 of 4 stars; one submission).

gnomAD v4.1: 34 of 1,613,986 alleles (0.0021%); highest among the groups gnomAD compares: Non-Finnish European, 0.0025%; 1 homozygote.

Submission:

Labcorp Genetics (formerly Invitae), Labcorp
Classification: Uncertain significance. Last evaluated: 2024-04-11. Review status: criteria provided, single submitter. Criteria: Invitae Variant Classification Sherloc (09022015). Collection method: clinical testing. Allele origin: germline.
Comment: This sequence change replaces arginine, which is basic and polar, with glutamine, which is neutral and polar, at codon 397 of the TOP1MT protein (p.Arg397Gln). This variant is present in population databases (rs773807421, gnomAD 0.01%). This variant has not been reported in the literature in individuals affected with TOP1MT-related conditions. Advanced modeling of protein sequence and biophysical properties (such as structural, functional, and spatial information, amino acid conservation, physicochemical variation, residue mobility, and thermodynamic stability) performed at Invitae indicates that this missense variant is not expected to disrupt TOP1MT protein function with a negative predictive value of 80%. In summary, the available evidence is currently insufficient to determine the role of this variant in disease. Therefore, it has been classified as a Variant of Uncertain Significance.